The following is an entry in ClinVar:

NM_001457.4(FLNB):c.2474_2475del (p.Phe825fs)

Gene: FLNB (filamin B; plus strand). Cytogenetic location: 3p14.3.
Variant type: Deletion.
Coding change: c.2474_2475del on transcript NM_001457.4 (MANE Select); coding-DNA positions 2474 to 2475, 2 bases deleted (TT; older notation c.2474_2475delTT).
Protein change: p.Phe825fs; shifts the reading frame from phenylalanine 825.
Molecular consequence: frameshift variant.
Genome position (GRCh38, 1-based): chr3:58,110,160-58,110,161, TT deleted; deleting any 2 consecutive bases within chr3:58,110,159-58,110,161 gives the same sequence; the c. name uses the placement nearest the transcript's 3' end. VCF-style (leftmost placement, unchanged base first): chr3-58110158-CTT-C. GRCh37 (hg19) VCF-style: chr3-58095885-CTT-C.
Other names: c.2474_2475del, p.Phe825fs (NM_001164317.2, NM_001164318.2, NM_001164319.2); short protein forms F825fs.
Identifiers: ClinVar variation 4812939 (VCV004812939.1).
Genomic context (GRCh38, chr3:58,110,158, plus strand): 5'-TGATACGTTCACAGTCAAATATGTGCCTCCTGCTGCTGGGCGATACACTATCAAAGTTCT[CTT>C]TGCATCTCAGGTACGTGGTGGGGCCTGGGAGGAGATGGGTGGAGTAGGCCTGGATTCTCT-3'

ClinVar aggregate classification (germline): Likely pathogenic (1 of 4 stars; one submission).

Conditions:
Spondylocarpotarsal synostosis syndrome (SCT). Also called: Spondylocarpotarsal Synostosis Syndrome (FLNB-SCT); SPONDYLOCARPOTARSAL SYNDROME; VERTEBRAL FUSION WITH CARPAL COALITION; Synspondylism congenital; Scoliosis, congenital with unilateral unsegmented bar. Identifiers: Orphanet 3275, MedGen C1848934, MONDO:0010094, OMIM 272460.

Submission:

Kasturba Medical College, Manipal, Kasturba Medical College, Manipal, Manipal Academy of Higher Education, Manipal, India
Classification: Likely pathogenic for Spondylocarpotarsal synostosis syndrome. Review status: criteria provided, single submitter. Criteria: ACMG Guidelines, 2015. Collection method: research. Allele origin: paternal. Inheritance: Autosomal recessive inheritance. Affected: yes. Observed: 1 heterozygote.
Comment: This variant is not observed in homozygous state in our in-house data of 3987 exomes and gnomAD database (v4.1.0). This variant is present in heterozygous state in one individual in gnomAD (v4.1.0) and absent in in-house database. This frameshift deletion is predicted to cause shift in the reading frame of the transcript introducing a premature termination codon, which may either result in a truncated protein or trigger nonsense-mediated mRNA decay.